The following is an entry in ClinVar:

NM_000222.3(KIT):c.2917C>T (p.His973Tyr)

Gene: KIT (KIT proto-oncogene, receptor tyrosine kinase; plus strand). Cytogenetic location: 4q12.
Variant type: single nucleotide variant.
Coding change: c.2917C>T on transcript NM_000222.3 (MANE Select); coding-DNA position 2917, C replaced by T.
Protein change: p.His973Tyr; replaces histidine 973 with tyrosine.
Molecular consequence: missense variant.
Genome position (GRCh38, 1-based): chr4:54,738,543, C>T. VCF-style: chr4-54738543-C-T. GRCh37 (hg19) VCF-style: chr4-55604709-C-T.
Other names: c.2905C>T, p.His969Tyr (NM_001093772.2, NM_001385292.1); c.2920C>T, p.His974Tyr (NM_001385284.1); c.2914C>T, p.His972Tyr (NM_001385285.1); c.2902C>T, p.His968Tyr (NM_001385286.1); c.2908C>T, p.His970Tyr (NM_001385288.1); c.2917C>T, p.His973Tyr (NM_001385290.1); short protein forms H970Y, H968Y, H969Y, H974Y, H972Y, H973Y.
Identifiers: ClinVar variation 3662360 (VCV003662360.2).

ClinVar aggregate classification (germline): Uncertain significance (1 of 4 stars; one submission).

Conditions:
Gastrointestinal stromal tumor. Also called: Gastrointestinal stromal tumor, somatic; Gastrointestinal stroma tumor. Identifiers: Orphanet 44890, MedGen C0238198, MeSH D046152, MONDO:0011719, OMIM 606764, HP:0100723.

Submission:

Labcorp Genetics (formerly Invitae), Labcorp
Classification: Uncertain significance for Gastrointestinal stromal tumor. Last evaluated: 2024-08-14. Review status: criteria provided, single submitter. Criteria: Invitae Variant Classification Sherloc (09022015). Collection method: clinical testing. Allele origin: germline.
Comment: This sequence change replaces histidine, which is basic and polar, with tyrosine, which is neutral and polar, at codon 973 of the KIT protein (p.His973Tyr). This variant is not present in population databases (gnomAD no frequency). This variant has not been reported in the literature in individuals affected with KIT-related conditions. An algorithm developed to predict the effect of missense changes on protein structure and function (PolyPhen-2) suggests that this variant is likely to be disruptive. Algorithms developed to predict the effect of sequence changes on RNA splicing suggest that this variant may create or strengthen a splice site. In summary, the available evidence is currently insufficient to determine the role of this variant in disease. Therefore, it has been classified as a Variant of Uncertain Significance.